The following is an entry in ClinVar:

NM_018297.4(NGLY1):c.182T>G (p.Phe61Cys)

Gene: NGLY1 (N-glycanase 1; minus strand). Cytogenetic location: 3p24.2.
Variant type: single nucleotide variant.
Coding change: c.182T>G on transcript NM_018297.4 (MANE Select); coding-DNA position 182, T replaced by G.
Protein change: p.Phe61Cys; replaces phenylalanine 61 with cysteine.
Molecular consequence: missense variant.
Genome position (GRCh38, 1-based): chr3:25,778,638, A>C on the plus strand (T>G on the coding strand, the complement: NGLY1 is on the minus strand). VCF-style: chr3-25778638-A-C. GRCh37 (hg19) VCF-style: chr3-25820129-A-C.
Other names: c.182T>G, p.Phe61Cys (NM_001145293.2, NM_001145295.2); c.56T>G, p.Phe19Cys (NM_001145294.2); short protein forms F61C, F19C.
Identifiers: ClinVar variation 851351 (VCV000851351.4), dbSNP rs1405545152, ClinGen allele CA351911047.

ClinVar aggregate classification (germline): Uncertain significance (1 of 4 stars; one submission).

Conditions:
Congenital disorder of deglycosylation (CDDG). Identifiers: MedGen C3808991, MONDO:0031376.

Allele frequency attached by ClinVar (database versions not stated): gnomAD exomes below 0.00001 and 0.00002; gnomAD 0.00001; TOPMed 0.00001.
gnomAD v4.1: 28 of 1,613,120 alleles (0.0017%); highest among the groups gnomAD compares: Non-Finnish European, 0.0021%; no homozygotes.

Submission:

Labcorp Genetics (formerly Invitae), Labcorp
Classification: Uncertain significance for Congenital disorder of deglycosylation. Last evaluated: 2021-09-01. Review status: criteria provided, single submitter. Criteria: Invitae Variant Classification Sherloc (09022015). Collection method: clinical testing. Allele origin: germline.
Comment: This sequence change replaces phenylalanine with cysteine at codon 61 of the NGLY1 protein (p.Phe61Cys). The phenylalanine residue is highly conserved and there is a large physicochemical difference between phenylalanine and cysteine. This variant is not present in population databases (ExAC no frequency). This variant has not been reported in the literature in individuals affected with NGLY1-related conditions. Algorithms developed to predict the effect of missense changes on protein structure and function are either unavailable or do not agree on the potential impact of this missense change (SIFT: "Deleterious"; PolyPhen-2: "Probably Damaging"; Align-GVGD: "Class C0"). In summary, the available evidence is currently insufficient to determine the role of this variant in disease. Therefore, it has been classified as a Variant of Uncertain Significance.